The following is an entry in ClinVar:

NM_170784.3(MKKS):c.1118del (p.Leu373fs)

Gene: MKKS (MKKS centrosomal shuttling protein; minus strand). Cytogenetic location: 20p12.2.
Variant type: Deletion.
Coding change: c.1118del on transcript NM_170784.3 (MANE Select); coding-DNA position 1118, one base deleted (T; older notation c.1118delT).
Protein change: p.Leu373fs; shifts the reading frame from leucine 373.
Molecular consequence: frameshift variant. On other transcripts: non-coding transcript variant (1).
Genome position (GRCh38, 1-based): chr20:10,408,671, A deleted on the plus strand (T on the coding strand, the reverse complement: MKKS is on the minus strand); the first of 2 consecutive A bases (chr20:10,408,671-10,408,672); deleting either gives the same sequence. VCF-style (leftmost placement, unchanged base first): chr20-10408670-CA-C. GRCh37 (hg19) VCF-style: chr20-10389318-CA-C.
Other names: c.1118del, p.Leu373fs (NM_018848.3); short protein forms L373fs.
Identifiers: ClinVar variation 2415952 (VCV002415952.6), dbSNP rs2514490367, ClinGen allele CA2580097870.

ClinVar aggregate classification (germline): Pathogenic (1 of 4 stars; one submission).

Conditions:
McKusick-Kaufman syndrome (MKKS). Also called: HYDROMETROCOLPOS SYNDROME; HYDROMETROCOLPOS, POSTAXIAL POLYDACTYLY, AND CONGENITAL HEART MALFORMATION. Identifiers: Orphanet 2473, MedGen C0948368, MONDO:0009367, OMIM 236700.
Bardet-Biedl syndrome (BBS). Identifiers: Orphanet 110, MedGen C0752166, MONDO:0015229.

Submission:

Labcorp Genetics (formerly Invitae), Labcorp
Classification: Pathogenic for McKusick-Kaufman syndrome; Bardet-Biedl syndrome. Last evaluated: 2022-07-06. Review status: criteria provided, single submitter. Criteria: Invitae Variant Classification Sherloc (09022015). Collection method: clinical testing. Allele origin: germline.
Comment: This variant is not present in population databases (gnomAD no frequency). This sequence change creates a premature translational stop signal (p.Leu373Cysfs*14) in the MKKS gene. It is expected to result in an absent or disrupted protein product. Loss-of-function variants in MKKS are known to be pathogenic (PMID: 11179009, 28761321, 30614526). This variant has not been reported in the literature in individuals affected with MKKS-related conditions. For these reasons, this variant has been classified as Pathogenic.

Literature cited by the submitters: PubMed 11179009; PubMed 28761321; PubMed 30614526.